The following is an entry in ClinVar:

NM_003366.4(UQCRC2):c.236C>T (p.Thr79Ile)

Gene: UQCRC2 (ubiquinol-cytochrome c reductase core protein 2). Cytogenetic location: 16p12.2.
Variant type: single nucleotide variant.
Coding change: c.236C>T on transcript NM_003366.4 (MANE Select); coding-DNA position 236, C replaced by T.
Protein change: p.Thr79Ile; replaces threonine 79 with isoleucine.
Molecular consequence: missense variant.
Genome position (GRCh38, 1-based): chr16:21,957,535, C>T. VCF-style: chr16-21957535-C-T. GRCh37 (hg19) VCF-style: chr16-21968856-C-T.
Other names: short protein forms T79I.
Identifiers: ClinVar variation 4779741 (VCV004779741.1).

ClinVar aggregate classification (germline): Uncertain significance (1 of 4 stars; one submission).

gnomAD v4.1: 4 of 1,614,116 alleles (0.00025%); highest among the groups gnomAD compares: African/African-American, 0.0013%; no homozygotes.

Submission:

Labcorp Genetics (formerly Invitae), Labcorp
Classification: Uncertain significance. Last evaluated: 2025-09-20. Review status: criteria provided, single submitter. Criteria: Invitae Variant Classification Sherloc (09022015). Collection method: clinical testing. Allele origin: germline.
Comment: This sequence change replaces threonine, which is neutral and polar, with isoleucine, which is neutral and non-polar, at codon 79 of the UQCRC2 protein (p.Thr79Ile). This variant is not present in population databases (gnomAD no frequency). This variant has not been reported in the literature in individuals affected with UQCRC2-related conditions. Invitae Evidence Modeling of protein sequence and biophysical properties (such as structural, functional, and spatial information, amino acid conservation, physicochemical variation, residue mobility, and thermodynamic stability) indicates that this missense variant is not expected to disrupt UQCRC2 protein function with a negative predictive value of 80%. In summary, the available evidence is currently insufficient to determine the role of this variant in disease. Therefore, it has been classified as a Variant of Uncertain Significance.